The following is an entry in ClinVar:

ClinVar aggregate classification (germline): Uncertain significance (1 of 4 stars; one submission).

Conditions:
Cardiovascular phenotype. Identifiers: MedGen CN230736.

Submission:

Ambry Genetics
Classification: Uncertain significance for Cardiovascular phenotype. Last evaluated: 2026-03-02. Review status: criteria provided, single submitter. Criteria: Ambry Variant Classification Scheme 2023. Collection method: clinical testing. Allele origin: germline.
Comment: The c.733_736delATTC variant, located in coding exon 6 of the VCL gene, results from a deletion of 4 nucleotides at nucleotide positions 733 to 736, causing a translational frameshift with a predicted alternate stop codon (p.I245Vfs*21). This variant is expected to result in protein truncation or nonsense-mediated mRNA decay. However, loss of function has not been established as a mechanism of disease. Based on the available evidence, the clinical significance of this variant remains unclear.

NM_014000.3(VCL):c.733_736del (p.Ile245fs)

Gene: VCL (vinculin; plus strand). Cytogenetic location: 10q22.2.
Variant type: Deletion.
Coding change: c.733_736del on transcript NM_014000.3 (MANE Select); coding-DNA positions 733 to 736, 4 bases deleted (ATTC; older notation c.733_736delATTC).
Protein change: p.Ile245fs; shifts the reading frame from isoleucine 245.
Molecular consequence: frameshift variant.
Genome position (GRCh38, 1-based): chr10:74,074,853-74,074,856, ATTC deleted. VCF-style (leftmost placement, unchanged base first): chr10-74074852-AATTC-A. GRCh37 (hg19) VCF-style: chr10-75834610-AATTC-A.
Other names: c.733_736del, p.Ile245fs (NM_003373.4); short protein forms I245fs.
Identifiers: ClinVar variation 4824340 (VCV004824340.1).